The following is an entry in ClinVar:

NM_002454.3(MTRR):c.598_599del (p.Gly200fs)

Gene: MTRR (5-methyltetrahydrofolate-homocysteine methyltransferase reductase; plus strand). Cytogenetic location: 5p15.31.
Variant type: Deletion.
Coding change: c.598_599del on transcript NM_002454.3 (MANE Select); coding-DNA positions 598 to 599, 2 bases deleted (GG; older notation c.598_599delGG).
Protein change: p.Gly200fs; shifts the reading frame from glycine 200.
Molecular consequence: frameshift variant. On other transcripts: non-coding transcript variant (14).
Genome position (GRCh38, 1-based): chr5:7,878,140-7,878,141, GG deleted. VCF-style (leftmost placement, unchanged base first): chr5-7878139-AGG-A. GRCh37 (hg19) VCF-style: chr5-7878252-AGG-A.
Other names: c.598_599delGG (NM_002454.3); c.598_599del, p.Gly200fs (NM_001364440.2, NM_001364441.2, NM_001364442.2 and 1 more transcripts); short protein forms G200fs.
Identifiers: ClinVar variation 4845918 (VCV004845918.1).
Genomic context (GRCh38, chr5:7,878,139, plus strand): 5'-TGTGAAGTCAGAGCTGCTACACATTGAATCTCAAGTCGAGCTTCTGAGATTCGATGATTC[AGG>A]AAGAAAGGATTCTGAGGTTTTGAAGCAAAATGCAGTGAACAGCAACCAATCCAATGTTGT-3'

ClinVar aggregate classification (germline): Likely pathogenic (1 of 4 stars; one submission).

Conditions:
Methylcobalamin deficiency type cblE (HMAE). Also called: HOMOCYSTINURIA-MEGALOBLASTIC ANEMIA, cblE COMPLEMENTATION TYPE; HOMOCYSTINURIA-MEGALOBLASTIC ANEMIA, cblE TYPE; VITAMIN B12-RESPONSIVE HOMOCYSTINURIA, cblE TYPE. Identifiers: Orphanet 2169, Orphanet 622, MedGen C1856057, MONDO:0009354, OMIM 236270.

Submission:

First Genomix Gene Laboratory, Genetic Diagnostics Department
Classification: Likely pathogenic for Methylcobalamin deficiency type cblE. Last evaluated: 2025-04-30. Review status: criteria provided, single submitter. Criteria: ACMG Guidelines, 2015. Collection method: clinical testing. Allele origin: germline. Inheritance: Autosomal recessive inheritance. Affected: no. Observed: 1 variant allele.